The following is an entry in ClinVar:

ClinVar aggregate classification (germline): Likely benign. Review status: criteria provided, multiple submitters, no conflicts (2 of 4 stars). 5 submissions from 5 submitters: Likely benign (5). Last evaluated 2024-12-14.

Conditions:
Cardiovascular phenotype. Identifiers: MedGen CN230736.
Cardiac arrhythmia. Also called: Cardiac rhythm disease; Arrhythmia. Identifiers: MedGen C0003811, MONDO:0007263, HP:0011675.
Long QT syndrome (LQTS). Identifiers: MedGen C0023976, MeSH D008133, MONDO:0002442. Disease mechanism: loss of function. Inheritance: Various modes of inheritance.

Allele frequency attached by ClinVar (database versions not stated): ExAC 0.00001; gnomAD 0.00001; gnomAD exomes 0.00001 and 0.00002; TOPMed 0.00002.
gnomAD v4.1: 16 of 1,614,080 alleles (0.00099%); highest among the groups gnomAD compares: East Asian, 0.0089%; no homozygotes.

Submissions (5):

Ambry Genetics
Classification: Likely benign for Cardiovascular phenotype. Last evaluated: 2024-12-14. Review status: criteria provided, single submitter. Criteria: Ambry Variant Classification Scheme 2023. Collection method: clinical testing. Allele origin: germline.

Labcorp Genetics (formerly Invitae), Labcorp
Classification: Likely benign for Long QT syndrome. Last evaluated: 2024-10-29. Review status: criteria provided, single submitter. Criteria: Invitae Variant Classification Sherloc (09022015). Collection method: clinical testing. Allele origin: germline.

All of Us Research Program, National Institutes of Health
Classification: Likely benign for Long QT syndrome. Last evaluated: 2024-08-23. Review status: criteria provided, single submitter. Criteria: ACMG Guidelines, 2015. Collection method: clinical testing. Allele origin: germline. Inheritance: Autosomal dominant inheritance. Observed: 2 variant alleles, 2 heterozygotes.
Comment: This study involves interpretation of variants in research participants for the purpose of population health screening. Participant phenotype was not available at the time of variant classification. Additional details can be found in publication PMID: 35346344, PMCID: PMC8962531

Blueprint Genetics
Classification: Likely benign. Last evaluated: 2021-08-25. Review status: criteria provided, single submitter. Criteria: ACMG Guidelines, 2015. Collection method: clinical testing. Allele origin: germline.

Color Diagnostics, LLC DBA Color Health
Classification: Likely benign for Arrhythmia. Last evaluated: 2019-09-30. Review status: criteria provided, single submitter. Criteria: ACMG Guidelines, 2015. Collection method: clinical testing. Allele origin: germline.

NM_000238.4(KCNH2):c.1329C>T (p.Thr443=)

Gene: KCNH2 (potassium voltage-gated channel subfamily H member 2; minus strand). Cytogenetic location: 7q36.1.
Variant type: single nucleotide variant.
Coding change: c.1329C>T on transcript NM_000238.4 (MANE Select); coding-DNA position 1329, C replaced by T.
Protein change: p.Thr443=; no amino-acid change (threonine 443 retained).
Molecular consequence: synonymous variant. On other transcripts: non-coding transcript variant (2).
Genome position (GRCh38, 1-based): chr7:150,952,653, G>A on the plus strand (C>T on the coding strand, the complement: KCNH2 is on the minus strand). VCF-style: chr7-150952653-G-A. GRCh37 (hg19) VCF-style: chr7-150649741-G-A.
Other names: c.309C>T, p.Thr103= (NM_001204798.2, NM_172057.3); c.1041C>T, p.Thr347= (NM_001406753.1, NM_001406756.1); c.1152C>T, p.Thr384= (NM_001406755.1); c.1029C>T, p.Thr343= (NM_001406757.1); c.1329C>T, p.Thr443= (NM_172056.3).
Identifiers: ClinVar variation 924116 (VCV000924116.15), dbSNP rs754215143, ClinGen allele CA027725.